The following is an entry in ClinVar:

NM_001199753.2(CPT1C):c.291A>C (p.Gln97His)

Gene: CPT1C (carnitine palmitoyltransferase 1C; plus strand). Cytogenetic location: 19q13.33.
Variant type: single nucleotide variant.
Coding change: c.291A>C on transcript NM_001199753.2 (MANE Select); coding-DNA position 291, A replaced by C.
Protein change: p.Gln97His; replaces glutamine 97 with histidine.
Molecular consequence: missense variant. On other transcripts: non-coding transcript variant (1).
Genome position (GRCh38, 1-based): chr19:49,700,693, A>C. VCF-style: chr19-49700693-A-C. GRCh37 (hg19) VCF-style: chr19-50203950-A-C.
Other names: c.291A>C, p.Gln97His (NM_001136052.3, NM_001199752.3, NM_001378482.1 and 7 more transcripts); short protein forms Q97H.
Identifiers: ClinVar variation 542769 (VCV000542769.12), dbSNP rs150291550, ClinGen allele CA9581748.

ClinVar aggregate classification (germline): Likely benign. Review status: criteria provided, multiple submitters, no conflicts (2 of 4 stars). 3 submissions from 3 submitters: Likely benign (2). 1 of the submissions does not count toward it. Last evaluated 2025-10-27.

Conditions:
CPT1C-related disorder. Also called: CPT1C-related condition.
Hereditary spastic paraplegia 73. Also called: Spastic paraplegia 73, autosomal dominant. Identifiers: Orphanet 444099, MedGen C5568981, MONDO:0014568, OMIM 616282.

Allele frequency attached by ClinVar (database versions not stated): ESP Exome Variant Server 0.00015; TOPMed 0.00028; 1000 Genomes Project 30x 0.00031; 1000 Genomes Project 0.00040; ExAC 0.00046; gnomAD exomes 0.00050; gnomAD 0.00054 and 0.00056.
gnomAD v4.1: 664 of 1,608,866 alleles (0.041%); highest among the groups gnomAD compares: Non-Finnish European, 0.037%; 2 homozygotes.

Submissions (3):

Labcorp Genetics (formerly Invitae), Labcorp
Classification: Likely benign for Hereditary spastic paraplegia 73. Last evaluated: 2025-10-27. Review status: criteria provided, single submitter. Criteria: Invitae Variant Classification Sherloc (09022015). Collection method: clinical testing. Allele origin: germline.

Blueprint Genetics
Classification: Likely benign. Last evaluated: 2024-10-17. Review status: criteria provided, single submitter. Criteria: ACMG Guidelines, 2015. Collection method: clinical testing. Allele origin: germline.

PreventionGenetics, part of Exact Sciences
Classification: Likely benign for CPT1C-related condition. Last evaluated: 2019-07-29. Review status: no assertion criteria provided. Collection method: clinical testing. Allele origin: germline. Not counted in ClinVar's aggregate classification.
Comment: This variant is classified as likely benign based on ACMG/AMP sequence variant interpretation guidelines (Richards et al. 2015 PMID: 25741868, with internal and published modifications).